The following is an entry in ClinVar:

NM_032043.3(BRIP1):c.2493-14_2493-4del

Gene: BRIP1 (BRCA1 interacting DNA helicase 1; minus strand). Cytogenetic location: 17q23.2.
Variant type: Deletion.
Coding change: c.2493-14_2493-4del on transcript NM_032043.3 (MANE Select); 14 bases into the intron before coding-DNA position 2493 through 4 bases into the intron before coding-DNA position 2493, 11 bases deleted (CCTATTTTTTC).
Molecular consequence: intron variant.
Genome position (GRCh38, 1-based): chr17:61,693,516-61,693,526, GAAAAAATAGG deleted on the plus strand (CCTATTTTTTC on the coding strand, the reverse complement: BRIP1 is on the minus strand); deleting any 11 consecutive bases within chr17:61,693,516-61,693,532 gives the same sequence; the c. name uses the placement nearest the transcript's 3' end. VCF-style (leftmost placement, unchanged base first): chr17-61693515-AGAAAAAATAGG-A. GRCh37 (hg19) VCF-style: chr17-59770876-AGAAAAAATAGG-A.
Identifiers: ClinVar variation 4786097 (VCV004786097.2).

ClinVar aggregate classification (germline): Conflicting classifications of pathogenicity. Review status: criteria provided, conflicting classifications (1 of 4 stars). 2 submissions from 2 submitters: Likely pathogenic (1); Uncertain significance (1). Last evaluated 2026-09-11.

Conditions:
Fanconi anemia complementation group J. Also called: BRIP1-Related Fanconi Anemia. Identifiers: Orphanet 84, MedGen C1836860, MONDO:0012187, OMIM 609054.
Familial cancer of breast. Also called: BREAST CANCER, FAMILIAL; Hereditary breast cancer; hereditary breast carcinoma. Identifiers: Orphanet 227535, MedGen C0346153, MONDO:0016419, OMIM 114480. Disease mechanism: loss of function.
Familial ovarian cancer. Identifiers: MedGen C5679802, MONDO:0016248.

Submissions (2):

Myriad Genetics, Inc.
Classification: Likely pathogenic for Familial ovarian cancer. Last evaluated: 2026-09-11. Review status: criteria provided, single submitter. Criteria: Myriad Autosomal Dominant, Autosomal Recessive and X-Linked Classification Criteria (2023). Collection method: clinical testing. Allele origin: unknown.
Comment: This variant is considered likely pathogenic. mRNA analysis has demonstrated abnormal mRNA splicing occurs [Myriad internal data].

Labcorp Genetics (formerly Invitae), Labcorp
Classification: Uncertain significance for Familial cancer of breast; Fanconi anemia complementation group J. Last evaluated: 2025-09-10. Review status: criteria provided, single submitter. Criteria: Invitae Variant Classification Sherloc (09022015). Collection method: clinical testing. Allele origin: germline.
Comment: This sequence change falls in intron 17 of the BRIP1 gene. It does not directly change the encoded amino acid sequence of the BRIP1 protein. This variant is not present in population databases (gnomAD no frequency). This variant has not been reported in the literature in individuals affected with BRIP1-related conditions. Algorithms developed to predict the effect of sequence changes on RNA splicing suggest that this variant may disrupt the consensus splice site. In summary, the available evidence is currently insufficient to determine the role of this variant in disease. Therefore, it has been classified as a Variant of Uncertain Significance.